The following is an entry in ClinVar:

ClinVar aggregate classification (germline): Likely benign. Review status: criteria provided, multiple submitters, no conflicts (2 of 4 stars). 2 submissions from 2 submitters: Likely benign (2). Last evaluated 2024-04-10.

Conditions:
Diamond-Blackfan anemia 10 (DBA10). Also called: RPS26-Related Diamond-Blackfan Anemia. Identifiers: Orphanet 124, MedGen C2750080, MONDO:0013217, OMIM 613309.

Allele frequency attached by ClinVar (database versions not stated): TOPMed 0.00004; ESP Exome Variant Server 0.00008; 1000 Genomes Project 30x 0.00016.
gnomAD v4.1: 64 of 1,614,070 alleles (0.004%); highest among the groups gnomAD compares: Middle Eastern, 0.049%; no homozygotes.

Submissions (2):

Labcorp Genetics (formerly Invitae), Labcorp
Classification: Likely benign for Diamond-Blackfan anemia 10. Last evaluated: 2024-04-10. Review status: criteria provided, single submitter. Criteria: Invitae Variant Classification Sherloc (09022015). Collection method: clinical testing. Allele origin: germline.

Illumina Laboratory Services, Illumina
Classification: Likely benign for Diamond-Blackfan anemia 10. Last evaluated: 2018-01-13. Review status: criteria provided, single submitter. Criteria: ICSL Variant Classification Criteria 13 December 2019. Collection method: clinical testing. Allele origin: germline.
Comment: This variant was observed in the ICSL laboratory as part of a predisposition screen in an ostensibly healthy population. It had not been previously curated by ICSL or reported in the Human Gene Mutation Database (HGMD: prior to June 1st, 2018), and was therefore a candidate for classification through an automated scoring system. Utilizing variant allele frequency, disease prevalence and penetrance estimates, and inheritance mode, an automated score was calculated to assess if this variant is too frequent to cause the disease. Based on the score and internal cut-off values, a variant classified as likely benign is not then subjected to further curation. The score for this variant resulted in a classification of likely benign for this disease.

NM_001029.5(RPS26):c.3+7C>T

Gene: RPS26 (ribosomal protein S26; plus strand). Cytogenetic location: 12q13.2.
Variant type: single nucleotide variant.
Coding change: c.3+7C>T on transcript NM_001029.5 (MANE Select); 7 bases into the intron after coding-DNA position 3, C replaced by T.
Molecular consequence: intron variant.
Genome position (GRCh38, 1-based): chr12:56,042,176, C>T. VCF-style: chr12-56042176-C-T. GRCh37 (hg19) VCF-style: chr12-56435960-C-T.
Identifiers: ClinVar variation 883850 (VCV000883850.11), dbSNP rs115750993, ClinGen allele CA6621654.